The following is an entry in ClinVar:

ClinVar aggregate classification (germline): Uncertain significance (1 of 4 stars; one submission).

Conditions:
Charcot-Marie-Tooth disease type 4. Also called: Charcot-Marie-Tooth disease, type IV; Charcot-Marie-Tooth, Type 4. Identifiers: Orphanet 64749, MedGen C4082197, MONDO:0018995.

Submission:

Labcorp Genetics (formerly Invitae), Labcorp
Classification: Uncertain significance for Charcot-Marie-Tooth disease type 4. Last evaluated: 2021-08-04. Review status: criteria provided, single submitter. Criteria: Invitae Variant Classification Sherloc (09022015). Collection method: clinical testing. Allele origin: germline.
Comment: In summary, the available evidence is currently insufficient to determine the role of this variant in disease. Therefore, it has been classified as a Variant of Uncertain Significance. Experimental studies and prediction algorithms are not available or were not evaluated, and the functional significance of this variant is currently unknown. This variant has not been reported in the literature in individuals affected with SBF2-related conditions. This variant is not present in population databases (ExAC no frequency). This variant, c.3674_3691dup, results in the insertion of 6 amino acid(s) to the SBF2 protein (p.Glu1230_Gln1231ins6), but otherwise preserves the integrity of the reading frame.

NM_030962.4(SBF2):c.3674_3691dup (p.Glu1230_Gln1231insProSerSerSerIleGlu)

Gene: SBF2 (SET binding factor 2; minus strand). Cytogenetic location: 11p15.4.
Variant type: Duplication.
Coding change: c.3674_3691dup on transcript NM_030962.4 (MANE Select); coding-DNA positions 3674 to 3691, 18 bases duplicated (CTTCCAGTAGCATAGAAC).
Protein change: p.Glu1230_Gln1231insProSerSerSerIleGlu.
Molecular consequence: inframe insertion.
Genome position (GRCh38, 1-based): chr11:9,829,458-9,829,475, GTTCTATGCTACTGGAAG duplicated on the plus strand (CTTCCAGTAGCATAGAAC on the coding strand, the reverse complement: SBF2 is on the minus strand). VCF-style (leftmost placement, unchanged base first): chr11-9829457-T-TGTTCTATGCTACTGGAAG. GRCh37 (hg19) VCF-style: chr11-9851004-T-TGTTCTATGCTACTGGAAG.
Other names: c.3674_3691dup, p.Glu1230_Gln1231insProSerSerSerIleGlu (NM_001386339.1); c.3545_3562dup, p.Glu1187_Gln1188insProSerSerSerIleGlu (NM_001386342.1).
Identifiers: ClinVar variation 1460505 (VCV001460505.6), dbSNP rs2133931845, ClinGen allele CA2573147263.